The following is an entry in ClinVar:

NM_139027.6(ADAMTS13):c.1601G>A (p.Gly534Asp)

Gene: ADAMTS13 (ADAM metallopeptidase with thrombospondin type 1 motif 13; plus strand). Cytogenetic location: 9q34.2.
Variant type: single nucleotide variant.
Coding change: c.1601G>A on transcript NM_139027.6 (MANE Select); coding-DNA position 1601, G replaced by A.
Protein change: p.Gly534Asp; replaces glycine 534 with aspartic acid.
Molecular consequence: missense variant.
Genome position (GRCh38, 1-based): chr9:133,438,262, G>A. VCF-style: chr9-133438262-G-A. GRCh37 (hg19) VCF-style: chr9-136303382-G-A.
Other names: c.1601G>A, p.Gly534Asp (NM_139025.5); c.1508G>A, p.Gly503Asp (NM_139026.6); short protein forms G503D, G534D.
Identifiers: ClinVar variation 3596667 (VCV003596667.3).

ClinVar aggregate classification (germline): Uncertain significance. Review status: criteria provided, multiple submitters, no conflicts (2 of 4 stars). 2 submissions from 2 submitters: Uncertain significance (2). Last evaluated 2025-05-27.

Conditions:
Upshaw-Schulman syndrome (TTP). Also called: THROMBOTIC THROMBOCYTOPENIC PURPURA, HEREDITARY; Congenital thrombotic thrombocytopenic purpura. Identifiers: Orphanet 93583, MedGen C1268935, MONDO:0010122, OMIM 274150.

gnomAD v4.1: 123 of 1,614,054 alleles (0.0076%); highest among the groups gnomAD compares: Non-Finnish European, 0.0053%; no homozygotes.

Submissions (2):

Labcorp Genetics (formerly Invitae), Labcorp
Classification: Uncertain significance. Last evaluated: 2025-05-27. Review status: criteria provided, single submitter. Criteria: Invitae Variant Classification Sherloc (09022015). Collection method: clinical testing. Allele origin: germline.
Comment: This sequence change replaces glycine, which is neutral and non-polar, with aspartic acid, which is acidic and polar, at codon 534 of the ADAMTS13 protein (p.Gly534Asp). This variant is present in population databases (rs782003053, gnomAD 0.09%). This variant has not been reported in the literature in individuals affected with ADAMTS13-related conditions. ClinVar contains an entry for this variant (Variation ID: 3596667). Invitae Evidence Modeling of protein sequence and biophysical properties (such as structural, functional, and spatial information, amino acid conservation, physicochemical variation, residue mobility, and thermodynamic stability) indicates that this missense variant is expected to disrupt ADAMTS13 protein function with a positive predictive value of 80%. In summary, the available evidence is currently insufficient to determine the role of this variant in disease. Therefore, it has been classified as a Variant of Uncertain Significance.

Fulgent Genetics
Classification: Uncertain significance for Upshaw-Schulman syndrome. Last evaluated: 2024-05-03. Review status: criteria provided, single submitter. Criteria: ACMG Guidelines, 2015. Collection method: clinical testing. Allele origin: germline.